The following is an entry in ClinVar:

ClinVar aggregate classification (germline): Pathogenic. Review status: criteria provided, multiple submitters, no conflicts (2 of 4 stars). 2 submissions from 2 submitters: Pathogenic (2). Last evaluated 2023-02-09.

Conditions:
Hypertrophic cardiomyopathy. Also called: HYPERTROPHIC MYOCARDIOPATHY. Identifiers: Orphanet 217569, MedGen C0007194, MeSH D002312, MONDO:0005045, HP:0001639.

Submissions (2):

GeneDx
Classification: Pathogenic. Last evaluated: 2023-02-09. Review status: criteria provided, single submitter. Criteria: GeneDx Variant Classification Process June 2021. Collection method: clinical testing. Allele origin: germline. Affected: yes.
Comment: Has not been previously published as pathogenic or benign to our knowledge; Not observed at significant frequency in large population cohorts (gnomAD); Frameshift variant predicted to result in protein truncation or nonsense mediated decay in a gene for which loss-of-function is a known mechanism of disease

Labcorp Genetics (formerly Invitae), Labcorp
Classification: Pathogenic for Hypertrophic cardiomyopathy. Last evaluated: 2022-05-18. Review status: criteria provided, single submitter. Criteria: Invitae Variant Classification Sherloc (09022015). Collection method: clinical testing. Allele origin: germline.
Comment: This sequence change creates a premature translational stop signal (p.Trp196Glyfs*4) in the MYBPC3 gene. It is expected to result in an absent or disrupted protein product. Loss-of-function variants in MYBPC3 are known to be pathogenic (PMID: 19574547). This variant is not present in population databases (gnomAD no frequency). This variant has not been reported in the literature in individuals affected with MYBPC3-related conditions. ClinVar contains an entry for this variant (Variation ID: 181109). For these reasons, this variant has been classified as Pathogenic.

Literature cited by the submitters: PubMed 19574547 (cited by Labcorp Genetics (formerly Invitae), Labcorp).

NM_000256.3(MYBPC3):c.586del (p.Trp196fs)

Gene: MYBPC3 (myosin binding protein C3; minus strand). Cytogenetic location: 11p11.2.
Variant type: Deletion.
Coding change: c.586del on transcript NM_000256.3 (MANE Select); coding-DNA position 586, one base deleted (T; older notation c.586delT).
Protein change: p.Trp196fs; shifts the reading frame from tryptophan 196.
Molecular consequence: frameshift variant.
Genome position (GRCh38, 1-based): chr11:47,349,842, A deleted on the plus strand (T on the coding strand, the reverse complement: MYBPC3 is on the minus strand). VCF-style (leftmost placement, unchanged base first): chr11-47349841-CA-C. GRCh37 (hg19) VCF-style: chr11-47371392-CA-C.
Other names: c.586del, p.Trp196fs (LRG_386t1); c.586delT (NM_000256.3); short protein forms W196fs.
Identifiers: ClinVar variation 181109 (VCV000181109.8), dbSNP rs730880681, ClinGen allele CA015513.